The following is an entry in ClinVar:

ClinVar aggregate classification (germline): Benign/Likely benign. Review status: criteria provided, multiple submitters, no conflicts (2 of 4 stars). 12 submissions from 11 submitters: Benign (7); Likely benign (2). 3 of the submissions do not count toward it. Last evaluated 2026-02-03.

Conditions:
Hypertrichotic osteochondrodysplasia Cantu type. Also called: Cantu Syndrome; Cantú Syndrome. Identifiers: Orphanet 1517, MedGen C0795905, MONDO:0009406, OMIM 239850.
Dilated cardiomyopathy 1O (CMD1O). Also called: CARDIOMYOPATHY, DILATED, WITH VENTRICULAR TACHYCARDIA. Identifiers: Orphanet 154, MedGen C1837839, MONDO:0012062, OMIM 608569.

Allele frequency attached by ClinVar (database versions not stated): gnomAD exomes 0.00232 and 0.00617; ExAC 0.00742; gnomAD 0.02408 and 0.02576; ESP Exome Variant Server 0.02653; TOPMed 0.02744; 1000 Genomes Project 0.02975; 1000 Genomes Project 30x 0.03248.
gnomAD v4.1: 7,214 of 1,604,084 alleles (0.45%); highest among the groups gnomAD compares: African/African-American, 8.6%; 277 homozygotes.

Submissions (12):

Labcorp Genetics (formerly Invitae), Labcorp
Classification: Benign for Dilated cardiomyopathy 1O. Last evaluated: 2026-02-03. Review status: criteria provided, single submitter. Criteria: Invitae Variant Classification Sherloc (09022015). Collection method: clinical testing. Allele origin: germline.

ARUP Laboratories, Molecular Genetics and Genomics, ARUP Laboratories
Classification: Benign. Last evaluated: 2025-05-20. Review status: criteria provided, single submitter. Criteria: ARUP Molecular Germline Variant Investigation Process 2024. Collection method: clinical testing. Allele origin: germline.

Illumina Laboratory Services, Illumina
Classification: Likely benign for Dilated cardiomyopathy 1O. Last evaluated: 2018-01-12. Review status: criteria provided, single submitter. Criteria: ICSL Variant Classification Criteria 13 December 2019. Collection method: clinical testing. Allele origin: germline.
Comment: This variant was observed in the ICSL laboratory as part of a predisposition screen in an ostensibly healthy population. It had not been previously curated by ICSL or reported in the Human Gene Mutation Database (HGMD: prior to June 1st, 2018), and was therefore a candidate for classification through an automated scoring system. Utilizing variant allele frequency, disease prevalence and penetrance estimates, and inheritance mode, an automated score was calculated to assess if this variant is too frequent to cause the disease. Based on the score and internal cut-off values, a variant classified as likely benign is not then subjected to further curation. The score for this variant resulted in a classification of likely benign for this disease.

Illumina Laboratory Services, Illumina
Classification: Benign for Hypertrichotic osteochondrodysplasia Cantu type. Last evaluated: 2018-01-12. Review status: criteria provided, single submitter. Criteria: ICSL Variant Classification Criteria 13 December 2019. Collection method: clinical testing. Allele origin: germline.
Comment: This variant was observed in the ICSL laboratory as part of a predisposition screen in an ostensibly healthy population. It had not been previously curated by ICSL or reported in the Human Gene Mutation Database (HGMD: prior to June 1st, 2018), and was therefore a candidate for classification through an automated scoring system. Utilizing variant allele frequency, disease prevalence and penetrance estimates, and inheritance mode, an automated score was calculated to assess if this variant is too frequent to cause the disease. Based on the score and internal cut-off values, a variant classified as benign is not then subjected to further curation. The score for this variant resulted in a classification of benign for this disease.

Mayo Clinic Laboratories, Mayo Clinic
Classification: Benign. Last evaluated: 2016-07-21. Review status: criteria provided, single submitter. Criteria: ACMG Guidelines, 2015. Collection method: clinical testing. Allele origin: germline. Observed: 33 variant alleles.

GeneDx
Classification: Benign. Last evaluated: 2014-03-18. Review status: criteria provided, single submitter. Criteria: GeneDx Variant Classification (06012015). Collection method: clinical testing. Allele origin: germline. Affected: yes.
Comment: This variant is considered likely benign or benign based on one or more of the following criteria: it is a conservative change, it occurs at a poorly conserved position in the protein, it is predicted to be benign by multiple in silico algorithms, and/or has population frequency not consistent with disease.

Laboratory for Molecular Medicine, Mass General Brigham Personalized Medicine
Classification: Benign. Last evaluated: 2010-05-03. Review status: criteria provided, single submitter. Criteria: LMM Criteria. Collection method: clinical testing. Allele origin: germline. Observed: 60 variant alleles.
Comment: Classified as benign based on high allele frequency in YRI population (7.6%; dbS NP rs11835804)

Breakthrough Genomics
Classification: Likely benign. Review status: criteria provided, single submitter. Criteria: ACMG Guidelines, 2015. Collection method: not provided. Allele origin: germline. Inheritance: Autosomal recessive inheritance. Affected: yes.

PreventionGenetics, part of Exact Sciences
Classification: Benign. Review status: criteria provided, single submitter. Criteria: ACMG Guidelines, 2015. Collection method: clinical testing. Allele origin: germline.

Clinical Genetics DNA and cytogenetics Diagnostics Lab, Erasmus MC, Erasmus Medical Center
Classification: Benign. Review status: no assertion criteria provided. Collection method: clinical testing. Allele origin: germline. Affected: yes. Study: VKGL Data-share Consensus. Not counted in ClinVar's aggregate classification.

Clinical Genetics, Academic Medical Center
Classification: Benign. Review status: no assertion criteria provided. Collection method: clinical testing. Allele origin: germline. Affected: yes. Study: VKGL Data-share Consensus. Not counted in ClinVar's aggregate classification.

Genome Diagnostics Laboratory, University Medical Center Utrecht
Classification: Benign. Review status: no assertion criteria provided. Collection method: clinical testing. Allele origin: germline. Affected: yes. Study: VKGL Data-share Consensus. Not counted in ClinVar's aggregate classification.

NM_020297.4(ABCC9):c.2424+9T>C

Gene: ABCC9 (ATP binding cassette subfamily C member 9; minus strand). Cytogenetic location: 12p12.1.
Variant type: single nucleotide variant.
Coding change: c.2424+9T>C on transcript NM_020297.4 (MANE Select); 9 bases into the intron after coding-DNA position 2424, T replaced by C.
Molecular consequence: intron variant.
Genome position (GRCh38, 1-based): chr12:21,860,962, A>G on the plus strand (T>C on the coding strand, the complement: ABCC9 is on the minus strand). VCF-style: chr12-21860962-A-G. GRCh37 (hg19) VCF-style: chr12-22013896-A-G.
Other names: p.?; c.1557+9T>C (NM_001377274.1); c.2424+9T>C (NM_005691.4, NM_001377273.1).
Identifiers: ClinVar variation 45405 (VCV000045405.35), dbSNP rs11835804, ClinGen allele CA282537.